The following is an entry in ClinVar:

ClinVar aggregate classification (germline): Uncertain significance (1 of 4 stars; one submission).

Conditions:
Gorlin syndrome. Also called: Nevoid Basal Cell Carcinoma Syndrome; Basal cell nevus syndrome. Identifiers: Orphanet 377, MedGen C0004779, MONDO:0007187.

Submission:

Labcorp Genetics (formerly Invitae), Labcorp
Classification: Uncertain significance for Gorlin syndrome. Last evaluated: 2024-05-23. Review status: criteria provided, single submitter. Criteria: Invitae Variant Classification Sherloc (09022015). Collection method: clinical testing. Allele origin: germline.
Comment: This sequence change replaces proline, which is neutral and non-polar, with glutamine, which is neutral and polar, at codon 901 of the PTCH2 protein (p.Pro901Gln). This variant is not present in population databases (gnomAD no frequency). This variant has not been reported in the literature in individuals affected with PTCH2-related conditions. Advanced modeling of protein sequence and biophysical properties (such as structural, functional, and spatial information, amino acid conservation, physicochemical variation, residue mobility, and thermodynamic stability) performed at Invitae indicates that this missense variant is not expected to disrupt PTCH2 protein function with a negative predictive value of 80%. In summary, the available evidence is currently insufficient to determine the role of this variant in disease. Therefore, it has been classified as a Variant of Uncertain Significance.

NM_003738.5(PTCH2):c.2702C>A (p.Pro901Gln)

Gene: PTCH2 (patched 2; minus strand). Cytogenetic location: 1p34.1.
Variant type: single nucleotide variant.
Coding change: c.2702C>A on transcript NM_003738.5 (MANE Select); coding-DNA position 2702, C replaced by A.
Protein change: p.Pro901Gln; replaces proline 901 with glutamine.
Molecular consequence: missense variant.
Genome position (GRCh38, 1-based): chr1:44,826,762, G>T on the plus strand (C>A on the coding strand, the complement: PTCH2 is on the minus strand). VCF-style: chr1-44826762-G-T. GRCh37 (hg19) VCF-style: chr1-45292434-G-T.
Other names: c.2702C>A, p.Pro901Gln (NM_001166292.2); short protein forms P901Q.
Identifiers: ClinVar variation 3699422 (VCV003699422.2).